The following is an entry in ClinVar:

NM_018026.4(PACS1):c.1623G>A (p.Thr541=)

Gene: PACS1 (phosphofurin acidic cluster sorting protein 1; plus strand). Cytogenetic location: 11q13.2.
Variant type: single nucleotide variant.
Coding change: c.1623G>A on transcript NM_018026.4 (MANE Select); coding-DNA position 1623, G replaced by A.
Protein change: p.Thr541=; no amino-acid change (threonine 541 retained).
Molecular consequence: synonymous variant.
Genome position (GRCh38, 1-based): chr11:66,230,937, G>A. VCF-style: chr11-66230937-G-A. GRCh37 (hg19) VCF-style: chr11-65998408-G-A.
Identifiers: ClinVar variation 783239 (VCV000783239.35), dbSNP rs200688409, ClinGen allele CA6116617.

ClinVar aggregate classification (germline): Likely benign. Review status: criteria provided, multiple submitters, no conflicts (2 of 4 stars). 4 submissions from 4 submitters: Likely benign (4). Last evaluated 2026-09-01.

Conditions:
PACS1-related disorder. Also called: PACS1-related condition.
Schuurs-Hoeijmakers syndrome. Also called: PACS1-Related Neurodevelopmental Disorder. Identifiers: Orphanet 329224, MedGen C3554343, MONDO:0014006, OMIM 615009.

Allele frequency attached by ClinVar (database versions not stated): ESP Exome Variant Server 0.00008; TOPMed 0.00008; gnomAD 0.00009 and 0.00010; gnomAD exomes 0.00012 and 0.00020; ExAC 0.00014; 1000 Genomes Project 30x 0.00031; 1000 Genomes Project 0.00040.
gnomAD v4.1: 294 of 1,613,998 alleles (0.018%); highest among the groups gnomAD compares: Non-Finnish European, 0.024%; no homozygotes.

Submissions (4):

CeGaT Center for Human Genetics Tuebingen
Classification: Likely benign. Last evaluated: 2026-09-01. Review status: criteria provided, single submitter. Criteria: CeGaT Center For Human Genetics Tuebingen Variant Classification Criteria Version 2. Collection method: clinical testing. Allele origin: germline. Affected: yes. Observed: 3 variant alleles.
Comment: PACS1: BP4, BP7

Labcorp Genetics (formerly Invitae), Labcorp
Classification: Likely benign for Schuurs-Hoeijmakers syndrome. Last evaluated: 2025-10-27. Review status: criteria provided, single submitter. Criteria: Invitae Variant Classification Sherloc (09022015). Collection method: clinical testing. Allele origin: germline.

PreventionGenetics, part of Exact Sciences
Classification: Likely benign for PACS1-related condition. Last evaluated: 2025-07-01. Review status: criteria provided, single submitter. Criteria: ACMG Guidelines, 2015. Collection method: clinical testing. Allele origin: germline.
Comment: This variant is classified as likely benign based on ACMG/AMP sequence variant interpretation guidelines (Richards et al. 2015 PMID: 25741868, with internal and published modifications).

Blueprint Genetics
Classification: Likely benign. Last evaluated: 2024-10-18. Review status: criteria provided, single submitter. Criteria: ACMG Guidelines, 2015. Collection method: clinical testing. Allele origin: germline.